The following is an entry in ClinVar:

ClinVar aggregate classification (germline): Uncertain significance (1 of 4 stars; one submission).

Conditions:
Singleton-Merten syndrome 1 (SGMRT1). Also called: Widened medullary cavities of bone, aortic calcification, abnormal dentition, and muscular weakness; Syndrome of widened medullary cavities of the metacarpals and phalanges, aortic calcification and abnormal dentition. Identifiers: Orphanet 85191, MedGen C4225427, MONDO:0024535, OMIM 182250.
Aicardi-Goutieres syndrome 7 (AGS7). Identifiers: Orphanet 51, MedGen C3888244, MONDO:0014367, OMIM 615846.

Allele frequency attached by ClinVar (database versions not stated): gnomAD exomes below 0.00001 and 0.00001; gnomAD 0.00001.
gnomAD v4.1: 14 of 1,614,008 alleles (0.00087%); highest among the groups gnomAD compares: African/African-American, 0.0013%; no homozygotes.

Submission:

Labcorp Genetics (formerly Invitae), Labcorp
Classification: Uncertain significance for Aicardi-Goutieres syndrome 7; Singleton-Merten syndrome 1. Last evaluated: 2021-02-24. Review status: criteria provided, single submitter. Criteria: Invitae Variant Classification Sherloc (09022015). Collection method: clinical testing. Allele origin: germline.
Comment: This variant has not been reported in the literature in individuals with IFIH1-related conditions. This variant is not present in population databases (ExAC no frequency). This sequence change replaces alanine with threonine at codon 20 of the IFIH1 protein (p.Ala20Thr). The alanine residue is weakly conserved and there is a small physicochemical difference between alanine and threonine. Algorithms developed to predict the effect of missense changes on protein structure and function output the following: SIFT: "Tolerated"; PolyPhen-2: "Benign"; Align-GVGD: "Class C0". The threonine amino acid residue is found in multiple mammalian species, suggesting that this missense change does not adversely affect protein function. These predictions have not been confirmed by published functional studies and their clinical significance is uncertain. In summary, the available evidence is currently insufficient to determine the role of this variant in disease. Therefore, it has been classified as a Variant of Uncertain Significance.

NM_022168.4(IFIH1):c.58G>A (p.Ala20Thr)

Gene: IFIH1 (interferon induced with helicase C domain 1; minus strand). Cytogenetic location: 2q24.2.
Variant type: single nucleotide variant.
Coding change: c.58G>A on transcript NM_022168.4 (MANE Select); coding-DNA position 58, G replaced by A.
Protein change: p.Ala20Thr; replaces alanine 20 with threonine.
Molecular consequence: missense variant.
Genome position (GRCh38, 1-based): chr2:162,318,250, C>T on the plus strand (G>A on the coding strand, the complement: IFIH1 is on the minus strand). VCF-style: chr2-162318250-C-T. GRCh37 (hg19) VCF-style: chr2-163174760-C-T.
Other names: short protein forms A20T.
Identifiers: ClinVar variation 1375469 (VCV001375469.8), dbSNP rs1160285695, ClinGen allele CA349014716.